The following is an entry in ClinVar:

ClinVar aggregate classification (germline): Conflicting classifications of pathogenicity. Review status: criteria provided, conflicting classifications (1 of 4 stars). 5 submissions from 5 submitters: Uncertain significance (1); Likely benign (3). 1 of the submissions does not count toward it. Last evaluated 2026-02-01.

Conditions:
COL18A1-related disorder. Also called: COL18A1-related disorders; COL18A1-related condition.
Knobloch syndrome (KNO). Also called: RETINAL DETACHMENT AND OCCIPITAL ENCEPHALOCELE; Myopia retinal detachment encephalocele. Identifiers: Orphanet 1571, MedGen C1849409, MONDO:0800166.

Allele frequency attached by ClinVar (database versions not stated): 1000 Genomes Project 30x 0.00016; TOPMed 0.00022; gnomAD 0.00023 and 0.00025; ESP Exome Variant Server 0.00033.
gnomAD v4.1: 606 of 1,610,880 alleles (0.038%); highest among the groups gnomAD compares: Non-Finnish European, 0.048%; 1 homozygote.

Submissions (5):

Labcorp Genetics (formerly Invitae), Labcorp
Classification: Likely benign. Last evaluated: 2026-02-01. Review status: criteria provided, single submitter. Criteria: Invitae Variant Classification Sherloc (09022015). Collection method: clinical testing. Allele origin: germline.

Blueprint Genetics
Classification: Likely benign. Last evaluated: 2024-08-06. Review status: criteria provided, single submitter. Criteria: ACMG Guidelines, 2015. Collection method: clinical testing. Allele origin: germline.

Illumina Laboratory Services, Illumina
Classification: Uncertain significance for Knobloch syndrome 1. Last evaluated: 2018-01-13. Review status: criteria provided, single submitter. Criteria: ICSL Variant Classification Criteria 13 December 2019. Collection method: clinical testing. Allele origin: germline.

GeneDx
Classification: Likely benign. Last evaluated: 2017-05-25. Review status: criteria provided, single submitter. Criteria: GeneDx Variant Classification (06012015). Collection method: clinical testing. Allele origin: germline. Affected: yes.
Comment: This variant is considered likely benign or benign based on one or more of the following criteria: it is a conservative change, it occurs at a poorly conserved position in the protein, it is predicted to be benign by multiple in silico algorithms, and/or has population frequency not consistent with disease.

PreventionGenetics, part of Exact Sciences
Classification: Likely benign for COL18A1-related condition. Last evaluated: 2019-03-15. Review status: no assertion criteria provided. Collection method: clinical testing. Allele origin: germline. Not counted in ClinVar's aggregate classification.
Comment: This variant is classified as likely benign based on ACMG/AMP sequence variant interpretation guidelines (Richards et al. 2015 PMID: 25741868, with internal and published modifications).

NM_001379500.1(COL18A1):c.1453-6G>A

Gene: COL18A1 (collagen type XVIII alpha 1 chain; plus strand). Cytogenetic location: 21q22.3.
Variant type: single nucleotide variant.
Coding change: c.1453-6G>A on transcript NM_001379500.1 (MANE Select); 6 bases into the intron before coding-DNA position 1453, G replaced by A.
Molecular consequence: intron variant.
Genome position (GRCh38, 1-based): chr21:45,480,694, G>A. VCF-style: chr21-45480694-G-A. GRCh37 (hg19) VCF-style: chr21-46900608-G-A.
Other names: NM_130445.2:c.1453-6G>A; c.2698-6G>A (NM_130444.3); c.1993-6G>A (NM_030582.4, NM_030582.3).
Identifiers: ClinVar variation 340222 (VCV000340222.16), dbSNP rs200886865, ClinGen allele CA10066351.